The following is an entry in ClinVar:

NM_000038.6(APC):c.1548G>A (p.Lys516=)

Gene: APC (APC regulator of Wnt signaling pathway; plus strand). Cytogenetic location: 5q22.2.
Variant type: single nucleotide variant.
Coding change: c.1548G>A on transcript NM_000038.6 (MANE Select); coding-DNA position 1548, G replaced by A.
Protein change: p.Lys516=; no amino-acid change (lysine 516 retained).
Molecular consequence: synonymous variant.
Genome position (GRCh38, 1-based): chr5:112,827,247, G>A. VCF-style: chr5-112827247-G-A. GRCh37 (hg19) VCF-style: chr5-112162944-G-A.
Other names: c.1275G>A, p.Lys425= (NM_001354902.2); c.1245G>A, p.Lys415= (NM_001354903.2); c.1170G>A, p.Lys390= (NM_001354904.2); c.1068G>A, p.Lys356= (NM_001354905.2); c.699G>A, p.Lys233= (NM_001354906.2); c.1548G>A, p.Lys516= (NM_001127510.3, NM_001354895.2); c.1494G>A, p.Lys498= (NM_001127511.3); c.1602G>A, p.Lys534= (NM_001354896.2); and 5 more.
Identifiers: ClinVar variation 428116 (VCV000428116.12), dbSNP rs879254090, ClinGen allele CA445756204.

ClinVar aggregate classification (germline): Pathogenic/Likely pathogenic. Review status: criteria provided, multiple submitters, no conflicts (2 of 4 stars). 3 submissions from 3 submitters: Pathogenic (2); Likely pathogenic (1). Last evaluated 2025-12-02.

Conditions:
Familial adenomatous polyposis 1 (FAP1). Also called: FAMILIAL ADENOMATOUS POLYPOSIS 1, ATTENUATED; POLYPOSIS, ADENOMATOUS INTESTINAL. Identifiers: MedGen C2713442, MONDO:0021056, OMIM 175100. Disease mechanism: loss of function.
Hereditary cancer-predisposing syndrome. Also called: Hereditary Cancer Syndrome; Neoplastic Syndromes, Hereditary; Hereditary neoplastic syndrome; Tumor predisposition. Identifiers: Orphanet 140162, MedGen C0027672, MeSH D009386, MONDO:0015356.

Submissions (3):

Labcorp Genetics (formerly Invitae), Labcorp
Classification: Pathogenic for Familial adenomatous polyposis 1. Last evaluated: 2025-12-02. Review status: criteria provided, single submitter. Criteria: Invitae Variant Classification Sherloc (09022015). Collection method: clinical testing. Allele origin: germline.
Comment: This sequence change affects codon 516 of the APC mRNA. It is a 'silent' change, meaning that it does not change the encoded amino acid sequence of the APC protein. RNA analysis indicates that this variant induces altered splicing and may result in an absent or altered protein product. This variant is not present in population databases (gnomAD no frequency). This variant has been observed in individual(s) with familial adenomatous polyposis (PMID: 19196998). ClinVar contains an entry for this variant (Variation ID: 428116). Variants that disrupt the consensus splice site are a relatively common cause of aberrant splicing (PMID: 17576681, 9536098). Studies have shown that this variant results in skipping of exon 12 (also known as exon 11), and produces a non-functional protein and/or introduces a premature termination codon (PMID: 19196998; internal data). This variant disrupts the c.1548G nucleotide in the APC gene. Other variant(s) that disrupt this nucleotide have been determined to be pathogenic (PMID: 8990002, 15459959, 17489848, 20685668, 24599579). This suggests that this nucleotide is clinically significant, and that variants that disrupt this position are likely to be disease-causing. For these reasons, this variant has been classified as Pathogenic.

Ambry Genetics
Classification: Pathogenic for Hereditary cancer-predisposing syndrome. Last evaluated: 2023-12-13. Review status: criteria provided, single submitter. Criteria: Ambry Variant Classification Scheme 2023. Collection method: clinical testing. Allele origin: germline.
Comment: The c.1548G>A pathogenic mutation (also known as p.K516K) is located in coding exon 11 of the APC gene. This mutation results from a G to A substitution at nucleotide position 1548. This nucleotide substitution does not change the lysine at codon 516; however, this change occurs in the last base pair of coding exon 11, which makes it likely to have some effect on normal mRNA splicing. Through mRNA analysis, these researchers demonstrated that this alteration leads to both a complete skipping of exon 11 and premature termination in coding exon 12 (Kaufmann A et al. J Mol Diagn. 2009 Mar; 11(2):131-9). This nucleotide position is highly conserved in available vertebrate species. In silico splice site analysis predicts that this alteration may result in the creation or strengthening of a novel splice donor site. Based on the supporting evidence, this alteration is interpreted as a disease-causing mutation.

Myriad Genetics, Inc.
Classification: Likely pathogenic for Familial adenomatous polyposis 1. Last evaluated: 2023-05-02. Review status: criteria provided, single submitter. Criteria: Myriad Autosomal Dominant, Autosomal Recessive and X-Linked Classification Criteria (2023). Collection method: clinical testing. Allele origin: unknown.
Comment: This variant is considered likely pathogenic. mRNA analysis has demonstrated abnormal mRNA splicing occurs [PMID:19196998, Myriad internal data].

Literature cited by the submitters: PubMed 19196998 (cited by 3 submitters); PubMed 17576681 (cited by Labcorp Genetics (formerly Invitae), Labcorp); PubMed 9536098 (cited by Labcorp Genetics (formerly Invitae), Labcorp); PubMed 8990002 (cited by Labcorp Genetics (formerly Invitae), Labcorp); PubMed 15459959 (cited by Labcorp Genetics (formerly Invitae), Labcorp); PubMed 17489848 (cited by Labcorp Genetics (formerly Invitae), Labcorp); PubMed 20685668 (cited by Labcorp Genetics (formerly Invitae), Labcorp); PubMed 24599579 (cited by Labcorp Genetics (formerly Invitae), Labcorp).